The following is an entry in ClinVar:

ClinVar aggregate classification (germline): Uncertain significance. Review status: criteria provided, multiple submitters, no conflicts (2 of 4 stars). 2 submissions from 2 submitters: Uncertain significance (2). Last evaluated 2026-01-12.

Allele frequency attached by ClinVar (database versions not stated): TOPMed 0.00002; gnomAD exomes 0.00001.
gnomAD v4.1: 22 of 1,614,192 alleles (0.0014%); highest among the groups gnomAD compares: East Asian, 0.047%; no homozygotes.

Submissions (2):

Labcorp Genetics (formerly Invitae), Labcorp
Classification: Uncertain significance. Last evaluated: 2026-01-12. Review status: criteria provided, single submitter. Criteria: Invitae Variant Classification Sherloc (09022015). Collection method: clinical testing. Allele origin: germline.
Comment: This sequence change replaces leucine, which is neutral and non-polar, with serine, which is neutral and polar, at codon 142 of the NALCN protein (p.Leu142Ser). This variant is present in population databases (no rsID available, gnomAD 0.006%). This variant has not been reported in the literature in individuals affected with NALCN-related conditions. ClinVar contains an entry for this variant (Variation ID: 2999941). Invitae Evidence Modeling of protein sequence and biophysical properties (such as structural, functional, and spatial information, amino acid conservation, physicochemical variation, residue mobility, and thermodynamic stability) indicates that this missense variant is not expected to disrupt NALCN protein function with a negative predictive value of 80%. In summary, the available evidence is currently insufficient to determine the role of this variant in disease. Therefore, it has been classified as a Variant of Uncertain Significance.

GeneDx
Classification: Uncertain significance. Last evaluated: 2025-07-13. Review status: criteria provided, single submitter. Criteria: GeneDx Variant Classification Process June 2021. Collection method: clinical testing. Allele origin: germline. Affected: yes.
Comment: In silico analysis supports that this missense variant has a deleterious effect on protein structure/function; Has not been previously published as pathogenic or benign to our knowledge

NM_052867.4(NALCN):c.425T>C (p.Leu142Ser)

Gene: NALCN (sodium leak channel, non-selective; minus strand). Cytogenetic location: 13q33.1.
Variant type: single nucleotide variant.
Coding change: c.425T>C on transcript NM_052867.4 (MANE Select); coding-DNA position 425, T replaced by C.
Protein change: p.Leu142Ser; replaces leucine 142 with serine.
Molecular consequence: missense variant.
Genome position (GRCh38, 1-based): chr13:101,377,007, A>G on the plus strand (T>C on the coding strand, the complement: NALCN is on the minus strand). VCF-style: chr13-101377007-A-G. GRCh37 (hg19) VCF-style: chr13-102029358-A-G.
Other names: c.425T>C, p.Leu142Ser (NM_001350751.2, NM_001350748.2, NM_001350749.2 and 1 more transcripts); c.425T>C (NM_052867.2); short protein forms L142S.
Identifiers: ClinVar variation 2999941 (VCV002999941.4), dbSNP rs1232247389, ClinGen allele CA388705736.